The following is an entry in ClinVar:

NM_001162501.2(TNRC6B):c.3121G>C (p.Gly1041Arg)

Gene: TNRC6B (trinucleotide repeat containing adaptor 6B; plus strand). Cytogenetic location: 22q13.1.
Variant type: single nucleotide variant.
Coding change: c.3121G>C on transcript NM_001162501.2 (MANE Select); coding-DNA position 3121, G replaced by C.
Protein change: p.Gly1041Arg; replaces glycine 1041 with arginine.
Molecular consequence: missense variant.
Genome position (GRCh38, 1-based): chr22:40,273,580, G>C. VCF-style: chr22-40273580-G-C. GRCh37 (hg19) VCF-style: chr22-40669584-G-C.
Other names: c.880G>C, p.Gly294Arg (NM_001024843.2); c.2962G>C, p.Gly988Arg (NM_015088.3); short protein forms G1041R, G988R, G294R.
Identifiers: ClinVar variation 5009710 (VCV005009710.1).

ClinVar aggregate classification (germline): Uncertain significance (1 of 4 stars; one submission).

Submission:

GeneDx
Classification: Uncertain significance. Last evaluated: 2026-02-18. Review status: criteria provided, single submitter. Criteria: GeneDx Variant Classification Process June 2021. Collection method: clinical testing. Allele origin: germline.
Comment: Not observed at significant frequency in large population cohorts (gnomAD); In silico analysis supports that this missense variant has a deleterious effect on protein structure/function; Has not been previously published as pathogenic or benign to our knowledge